The following is an entry in ClinVar:

ClinVar aggregate classification (germline): Uncertain significance. Review status: criteria provided, multiple submitters, no conflicts (2 of 4 stars). 3 submissions from 3 submitters: Uncertain significance (3). Last evaluated 2025-05-13.

Conditions:
Inborn genetic diseases. Identifiers: MedGen C0950123, MeSH D030342.
Age related macular degeneration 9. Identifiers: MedGen C1969651, MONDO:0012659, OMIM 611378.
Atypical hemolytic-uremic syndrome with C3 anomaly. Also called: AHUS, SUSCEPTIBILITY TO, 5. Identifiers: Orphanet 2134, MedGen C2752037, MONDO:0013043, OMIM 612925.
Complement component 3 deficiency. Identifiers: Orphanet 280133, MedGen C3151071, MONDO:0013417, OMIM 613779.

Allele frequency attached by ClinVar (database versions not stated): gnomAD exomes 0.00002 and 0.00004; ExAC 0.00003; gnomAD 0.00011; 1000 Genomes Project 0.00020; TOPMed 0.00024; 1000 Genomes Project 30x 0.00031.
gnomAD v4.1: 52 of 1,613,286 alleles (0.0032%); highest among the groups gnomAD compares: Admixed American, 0.037%; no homozygotes.

Submissions (3):

Labcorp Genetics (formerly Invitae), Labcorp
Classification: Uncertain significance. Last evaluated: 2025-05-13. Review status: criteria provided, single submitter. Criteria: Invitae Variant Classification Sherloc (09022015). Collection method: clinical testing. Allele origin: germline.
Comment: This sequence change replaces arginine, which is basic and polar, with glutamine, which is neutral and polar, at codon 735 of the C3 protein (p.Arg735Gln). This variant is present in population databases (rs201285239, gnomAD 0.02%). This variant has not been reported in the literature in individuals affected with C3-related conditions. ClinVar contains an entry for this variant (Variation ID: 1045785). Invitae Evidence Modeling of protein sequence and biophysical properties (such as structural, functional, and spatial information, amino acid conservation, physicochemical variation, residue mobility, and thermodynamic stability) indicates that this missense variant is not expected to disrupt C3 protein function with a negative predictive value of 80%. In summary, the available evidence is currently insufficient to determine the role of this variant in disease. Therefore, it has been classified as a Variant of Uncertain Significance.

Fulgent Genetics
Classification: Uncertain significance for Age related macular degeneration 9; Atypical hemolytic-uremic syndrome with C3 anomaly; Complement component 3 deficiency. Last evaluated: 2023-12-28. Review status: criteria provided, single submitter. Criteria: ACMG Guidelines, 2015. Collection method: clinical testing. Allele origin: germline.

Ambry Genetics
Classification: Uncertain significance for Inborn genetic diseases. Last evaluated: 2023-11-17. Review status: criteria provided, single submitter. Criteria: Ambry Variant Classification Scheme 2023. Collection method: clinical testing. Allele origin: germline.

NM_000064.4(C3):c.2204G>A (p.Arg735Gln)

Gene: C3 (complement C3; minus strand). Cytogenetic location: 19p13.3.
Variant type: single nucleotide variant.
Coding change: c.2204G>A on transcript NM_000064.4 (MANE Select); coding-DNA position 2204, G replaced by A.
Protein change: p.Arg735Gln; replaces arginine 735 with glutamine.
Molecular consequence: missense variant.
Genome position (GRCh38, 1-based): chr19:6,707,117, C>T on the plus strand (G>A on the coding strand, the complement: C3 is on the minus strand). VCF-style: chr19-6707117-C-T. GRCh37 (hg19) VCF-style: chr19-6707128-C-T.
Other names: c.2204G>A (NM_000064.2); short protein forms R735Q.
Identifiers: ClinVar variation 1045785 (VCV001045785.12), dbSNP rs201285239, ClinGen allele CA9129170.